The following is an entry in ClinVar:

ClinVar aggregate classification (germline): Uncertain significance. Review status: criteria provided, multiple submitters, no conflicts (2 of 4 stars). 2 submissions from 2 submitters: Uncertain significance (2). Last evaluated 2025-04-01.

Conditions:
Hereditary cancer-predisposing syndrome. Also called: Neoplastic Syndromes, Hereditary; Tumor predisposition; Hereditary Cancer Syndrome; Hereditary neoplastic syndrome. Identifiers: Orphanet 140162, MedGen C0027672, MeSH D009386, MONDO:0015356.

Submissions (2):

Dasa
Classification: Uncertain significance. Last evaluated: 2025-04-01. Review status: criteria provided, single submitter. Criteria: DASA Assertion Criteria. Collection method: clinical testing. Allele origin: germline.
Comment: NM_177438.3(DICER1):c.5255A>G (p.Tyr1752Cys) is a missense variant that results in the substitution of tyrosine with cysteine. The affected residue or protein region has prior evidence supporting clinical relevance. This variant is absent from population databases. The currently available literature and clinical evidence are not sufficient to establish a definitive association between this variant and the reported condition. Therefore, this variant is classified as a variant of uncertain significance.

Ambry Genetics
Classification: Uncertain significance for Hereditary cancer-predisposing syndrome. Last evaluated: 2020-06-16. Review status: criteria provided, single submitter. Criteria: Ambry Variant Classification Scheme 2023. Collection method: clinical testing. Allele origin: germline.
Comment: The p.Y1752C variant (also known as c.5255A>G), located in coding exon 23 of the DICER1 gene, results from an A to G substitution at nucleotide position 5255. The tyrosine at codon 1752 is replaced by cysteine, an amino acid with highly dissimilar properties. This amino acid position is highly conserved in available vertebrate species. In addition, the in silico prediction for this alteration is inconclusive. Since supporting evidence is limited at this time, the clinical significance of this alteration remains unclear.

NM_177438.3(DICER1):c.5255A>G (p.Tyr1752Cys)

Gene: DICER1 (dicer 1, ribonuclease III; minus strand). Cytogenetic location: 14q32.13.
Variant type: single nucleotide variant.
Coding change: c.5255A>G on transcript NM_177438.3 (MANE Select); coding-DNA position 5255, A replaced by G.
Protein change: p.Tyr1752Cys; replaces tyrosine 1752 with cysteine.
Molecular consequence: missense variant. On other transcripts: non-coding transcript variant (6).
Genome position (GRCh38, 1-based): chr14:95,093,997, T>C on the plus strand (A>G on the coding strand, the complement: DICER1 is on the minus strand). VCF-style: chr14-95093997-T-C. GRCh37 (hg19) VCF-style: chr14-95560334-T-C.
Other names: c.5255A>G, p.Tyr1752Cys (NM_001195573.1, NM_001271282.3, NM_001291628.2 and 9 more transcripts); c.4973A>G, p.Tyr1658Cys (NM_001395686.1); c.4850A>G, p.Tyr1617Cys (NM_001395687.1, NM_001395688.1, NM_001395689.1 and 1 more transcripts); c.4688A>G, p.Tyr1563Cys (NM_001395691.1); c.3572A>G, p.Tyr1191Cys (NM_001395697.1); short protein forms Y1752C, Y1563C, Y1617C, Y1658C, Y1191C.
Identifiers: ClinVar variation 1746384 (VCV001746384.4), dbSNP rs2139812420, ClinGen allele CA390865110.